The following is an entry in ClinVar:

ClinVar aggregate classification (germline): Uncertain significance (1 of 4 stars; one submission).

gnomAD v4.1: 9 of 1,613,548 alleles (0.00056%); highest among the groups gnomAD compares: Non-Finnish European, 0.00076%; no homozygotes.

Submission:

GeneDx
Classification: Uncertain significance. Last evaluated: 2023-11-16. Review status: criteria provided, single submitter. Criteria: GeneDx Variant Classification Process June 2021. Collection method: clinical testing. Allele origin: germline. Affected: yes.
Comment: Not observed at significant frequency in large population cohorts (gnomAD); In silico analysis supports that this missense variant has a deleterious effect on protein structure/function; Has not been previously published as pathogenic or benign to our knowledge

NM_003482.4(KMT2D):c.11054A>G (p.His3685Arg)

Gene: KMT2D (lysine methyltransferase 2D; minus strand). Cytogenetic location: 12q13.12.
Variant type: single nucleotide variant.
Coding change: c.11054A>G on transcript NM_003482.4 (MANE Select); coding-DNA position 11054, A replaced by G.
Protein change: p.His3685Arg; replaces histidine 3685 with arginine.
Molecular consequence: missense variant.
Genome position (GRCh38, 1-based): chr12:49,033,651, T>C on the plus strand (A>G on the coding strand, the complement: KMT2D is on the minus strand). VCF-style: chr12-49033651-T-C. GRCh37 (hg19) VCF-style: chr12-49427434-T-C.
Other names: short protein forms H3685R.
Identifiers: ClinVar variation 3364509 (VCV003364509.1).
Genomic context (GRCh38, chr12:49,033,651, plus strand): 5'-GCAAGGTTGCCAGGGAAGAAGCCCCCTGAAGGGCCAGCCAGGGATCCAGCCCCACCAGAA[T>C]GTTGCTGTTGCTGCTGTTGGGCCAGAGCTGTATTAAGGAAGGGGCCACCAGGCTGTCCAG-3'
Protein context (NP_003473.3, residues 3675-3695): TALAQQQQQQ[His3685Arg]SGGAGSLAGP